The following is an entry in ClinVar:

ClinVar aggregate classification (germline): Likely benign (1 of 4 stars; one submission).

Submission:

CeGaT Center for Human Genetics Tuebingen
Classification: Likely benign. Last evaluated: 2025-10-01. Review status: criteria provided, single submitter. Criteria: CeGaT Center For Human Genetics Tuebingen Variant Classification Criteria Version 2. Collection method: clinical testing. Allele origin: germline. Affected: yes. Observed: 1 variant allele.
Comment: TBC1D3H: PM2:Supporting, BP4, BP7

NM_001123392.4(TBC1D3H):c.1560A>G (p.Arg520=)

Gene: TBC1D3H (TBC1 domain family member 3H; minus strand). Cytogenetic location: 17q12.
Variant type: single nucleotide variant.
Coding change: c.1560A>G on transcript NM_001123392.4 (MANE Select); coding-DNA position 1560, A replaced by G.
Protein change: p.Arg520=; no amino-acid change (arginine 520 retained).
Molecular consequence: synonymous variant.
Genome position (GRCh38, 1-based): chr17:36,377,936, T>C on the plus strand (A>G on the coding strand, the complement: TBC1D3H is on the minus strand). VCF-style: chr17-36377936-T-C. GRCh37 (hg19) VCF-style: chr17-34746524-T-C.
Identifiers: ClinVar variation 4534552 (VCV004534552.6).